The following is an entry in ClinVar:

ClinVar aggregate classification (germline): Uncertain significance (1 of 4 stars; one submission).

Submission:

Labcorp Genetics (formerly Invitae), Labcorp
Classification: Uncertain significance. Last evaluated: 2023-10-03. Review status: criteria provided, single submitter. Criteria: Invitae Variant Classification Sherloc (09022015). Collection method: clinical testing. Allele origin: germline.
Comment: This sequence change falls in intron 7 of the ELOVL5 gene. It does not directly change the encoded amino acid sequence of the ELOVL5 protein. It affects a nucleotide within the consensus splice site. This variant is not present in population databases (gnomAD no frequency). This variant has not been reported in the literature in individuals affected with ELOVL5-related conditions. Variants that disrupt the consensus splice site are a relatively common cause of aberrant splicing (PMID: 17576681, 9536098). Algorithms developed to predict the effect of sequence changes on RNA splicing suggest that this variant may disrupt the consensus splice site. In summary, the available evidence is currently insufficient to determine the role of this variant in disease. Therefore, it has been classified as a Variant of Uncertain Significance.

Literature cited by the submitters: PubMed 17576681; PubMed 9536098.

NM_021814.5(ELOVL5):c.756+2T>C

Gene: ELOVL5 (ELOVL fatty acid elongase 5; minus strand). Cytogenetic location: 6p12.1.
Variant type: single nucleotide variant.
Coding change: c.756+2T>C on transcript NM_021814.5 (MANE Select); the canonical splice donor site of the intron after coding-DNA position 756, T replaced by C.
Molecular consequence: splice donor variant.
Genome position (GRCh38, 1-based): chr6:53,270,591, A>G on the plus strand (T>C on the coding strand, the complement: ELOVL5 is on the minus strand). VCF-style: chr6-53270591-A-G. GRCh37 (hg19) VCF-style: chr6-53135389-A-G.
Other names: c.631+2T>C (NM_001242830.2); c.837+2T>C (NM_001242828.2); c.756+2T>C (NM_001301856.2).
Identifiers: ClinVar variation 2695983 (VCV002695983.3), dbSNP rs2533711182, ClinGen allele CA364473848.